The following is an entry in ClinVar:

ClinVar aggregate classification (germline): Likely benign. Review status: criteria provided, multiple submitters, no conflicts (2 of 4 stars). 3 submissions from 3 submitters: Likely benign (2). 1 of the submissions does not count toward it. Last evaluated 2025-04-09.

Conditions:
FHOD3-related disorder. Also called: FHOD3-related condition.

gnomAD v4.1: 421 of 1,513,158 alleles (0.028%); highest among the groups gnomAD compares: East Asian, 0.39%; 2 homozygotes.

Submissions (3):

Molecular Diagnostic Laboratory for Inherited Cardiovascular Disease, Montreal Heart Institute
Classification: Likely benign. Last evaluated: 2025-04-09. Review status: criteria provided, single submitter. Criteria: ACMG Guidelines, 2015. Collection method: clinical testing. Allele origin: germline. Affected: no.

Blueprint Genetics
Classification: Likely benign. Last evaluated: 2024-09-05. Review status: criteria provided, single submitter. Criteria: ACMG Guidelines, 2015. Collection method: clinical testing. Allele origin: germline.

PreventionGenetics, part of Exact Sciences
Classification: Benign for FHOD3-related condition. Last evaluated: 2024-03-20. Review status: no assertion criteria provided. Collection method: clinical testing. Allele origin: germline. Not counted in ClinVar's aggregate classification.
Comment: This variant is classified as benign based on ACMG/AMP sequence variant interpretation guidelines (Richards et al. 2015 PMID: 25741868, with internal and published modifications).

NM_001281740.3(FHOD3):c.1004C>G (p.Pro335Arg)

Gene: FHOD3 (formin homology 2 domain containing 3; plus strand). Cytogenetic location: 18q12.2.
Variant type: single nucleotide variant.
Coding change: c.1004C>G on transcript NM_001281740.3 (MANE Select); coding-DNA position 1004, C replaced by G.
Protein change: p.Pro335Arg; replaces proline 335 with arginine.
Molecular consequence: missense variant.
Genome position (GRCh38, 1-based): chr18:36,625,557, C>G. VCF-style: chr18-36625557-C-G. GRCh37 (hg19) VCF-style: chr18-34205520-C-G.
Other names: c.1004C>G, p.Pro335Arg (NM_001281739.3, NM_025135.5); short protein forms P335R.
Identifiers: ClinVar variation 3354595 (VCV003354595.3), dbSNP rs117005081.
Genomic context (GRCh38, chr18:36,625,557, plus strand): 5'-CTCTGCTTTTCCAGGTGGCGCTCAGGCACGAGGATGGCGATGAGACCACGGAGCCACCCC[C>G]CAGTGGGTGCCGGGACCGGAGGAGGGCCAGCGTGTGTTCCAGTGGCGGAGGCGAGCACCG-3'
Protein context (NP_001268669.1, residues 325-345): EDGDETTEPP[Pro335Arg]SGCRDRRRAS